The following is an entry in ClinVar:

ClinVar aggregate classification (germline): Benign/Likely benign. Review status: criteria provided, multiple submitters, no conflicts (2 of 4 stars). 17 submissions from 13 submitters: Benign (11); Likely benign (3). 3 of the submissions do not count toward it. Last evaluated 2026-02-01.

Conditions:
Hemolytic anemia. Identifiers: MedGen C0002878, MONDO:0003664, HP:0001878.
Hereditary spherocytosis type 3. Also called: Spherocytosis type 3; SPTA1-Related Spherocytosis. Identifiers: Orphanet 822, MedGen C2678338, MONDO:0010053, OMIM 270970.
Elliptocytosis 2 (EL2). Also called: ELLIPTOCYTOSIS, RHESUS-UNLINKED TYPE. Identifiers: Orphanet 288, MedGen C1851741, MONDO:0007533, OMIM 130600.
Pyropoikilocytosis, hereditary. Also called: Pyropoikilocytosis. Identifiers: MedGen C0520739, MONDO:0009948, OMIM 266140, HP:0004839. Disease mechanism: loss of function.

Allele frequency attached by ClinVar (database versions not stated): ESP Exome Variant Server 0.48524; 1000 Genomes Project 30x 0.48829; 1000 Genomes Project 0.49101; TOPMed 0.50090.
gnomAD v4.1: 864,221 of 1,603,432 alleles (54%); highest among the groups gnomAD compares: East Asian, 61%; 236,032 homozygotes.

Submissions (17):

Labcorp Genetics (formerly Invitae), Labcorp
Classification: Benign. Last evaluated: 2026-02-01. Review status: criteria provided, single submitter. Criteria: Invitae Variant Classification Sherloc (09022015). Collection method: clinical testing. Allele origin: germline.

Genomic Medicine Center of Excellence, King Faisal Specialist Hospital and Research Centre
Classification: Likely benign for Hereditary spherocytosis type 3. Last evaluated: 2025-07-30. Review status: criteria provided, single submitter. Criteria: ACMG Guidelines, 2015. Collection method: clinical testing. Allele origin: germline.

ARUP Laboratories, Molecular Genetics and Genomics, ARUP Laboratories
Classification: Benign. Last evaluated: 2025-06-10. Review status: criteria provided, single submitter. Criteria: ARUP Molecular Germline Variant Investigation Process 2024. Collection method: clinical testing. Allele origin: germline.

Blueprint Genetics
Classification: Likely benign. Last evaluated: 2024-11-26. Review status: criteria provided, single submitter. Criteria: ACMG Guidelines, 2015. Collection method: clinical testing. Allele origin: germline.

Genome-Nilou Lab
Classification: Benign for Pyropoikilocytosis, hereditary. Last evaluated: 2021-07-15. Review status: criteria provided, single submitter. Criteria: ACMG Guidelines, 2015. Collection method: clinical testing. Allele origin: germline. Affected: no.

Genome-Nilou Lab
Classification: Benign for Hereditary spherocytosis type 3. Last evaluated: 2021-07-15. Review status: criteria provided, single submitter. Criteria: ACMG Guidelines, 2015. Collection method: clinical testing. Allele origin: germline. Affected: no.

Genome-Nilou Lab
Classification: Benign for Elliptocytosis 2. Last evaluated: 2021-07-15. Review status: criteria provided, single submitter. Criteria: ACMG Guidelines, 2015. Collection method: clinical testing. Allele origin: germline. Affected: no.

GeneDx
Classification: Benign. Last evaluated: 2019-05-01. Review status: criteria provided, single submitter. Criteria: GeneDx Variant Classification Process June 2021. Collection method: clinical testing. Allele origin: germline. Affected: yes.
Comment: This variant is associated with the following publications: (PMID: 32581362)

Illumina Laboratory Services, Illumina
Classification: Benign for Elliptocytosis 2. Last evaluated: 2018-01-13. Review status: criteria provided, single submitter. Criteria: ICSL Variant Classification Criteria 13 December 2019. Collection method: clinical testing. Allele origin: germline.
Comment: This variant was observed in the ICSL laboratory as part of a predisposition screen in an ostensibly healthy population. It had not been previously curated by ICSL or reported in the Human Gene Mutation Database (HGMD: prior to June 1st, 2018), and was therefore a candidate for classification through an automated scoring system. Utilizing variant allele frequency, disease prevalence and penetrance estimates, and inheritance mode, an automated score was calculated to assess if this variant is too frequent to cause the disease. Based on the score and internal cut-off values, a variant classified as benign is not then subjected to further curation. The score for this variant resulted in a classification of benign for this disease.

Illumina Laboratory Services, Illumina
Classification: Benign for Pyropoikilocytosis, hereditary. Last evaluated: 2018-01-13. Review status: criteria provided, single submitter. Criteria: ICSL Variant Classification Criteria 13 December 2019. Collection method: clinical testing. Allele origin: germline.
Comment: the same text as in the submission from Illumina Laboratory Services, Illumina above.

Illumina Laboratory Services, Illumina
Classification: Benign for Hereditary spherocytosis type 3. Last evaluated: 2018-01-13. Review status: criteria provided, single submitter. Criteria: ICSL Variant Classification Criteria 13 December 2019. Collection method: clinical testing. Allele origin: germline.
Comment: the same text as in the submission from Illumina Laboratory Services, Illumina above.

Mayo Clinic Laboratories, Mayo Clinic
Classification: Benign. Last evaluated: 2016-04-16. Review status: criteria provided, single submitter. Criteria: ACMG Guidelines, 2015. Collection method: clinical testing. Allele origin: germline. Observed: 1,795 variant alleles.

Breakthrough Genomics
Classification: Likely benign. Review status: criteria provided, single submitter. Criteria: ACMG Guidelines, 2015. Collection method: not provided. Allele origin: germline. Inheritance: Autosomal recessive inheritance. Affected: yes.

PreventionGenetics, part of Exact Sciences
Classification: Benign. Review status: criteria provided, single submitter. Criteria: ACMG Guidelines, 2015. Collection method: clinical testing. Allele origin: germline.

Diagnostic Laboratory, Department of Genetics, University Medical Center Groningen
Classification: Benign. Review status: no assertion criteria provided. Collection method: clinical testing. Allele origin: germline. Affected: yes. Study: VKGL Data-share Consensus. Not counted in ClinVar's aggregate classification.

Genome Diagnostics Laboratory, University Medical Center Utrecht
Classification: Benign. Review status: no assertion criteria provided. Collection method: clinical testing. Allele origin: germline. Affected: yes. Study: VKGL Data-share Consensus. Not counted in ClinVar's aggregate classification.

NIHR Bioresource Rare Diseases, University of Cambridge
Classification: Likely pathogenic for Hemolytic anemia. Review status: no assertion criteria provided. Collection method: research. Allele origin: unknown. Affected: yes. Observed: 2 variant alleles. Not counted in ClinVar's aggregate classification.

Literature cited by the submitters: PubMed 32581362 (cited by NIHR Bioresource Rare Diseases, University of Cambridge).

NM_003126.4(SPTA1):c.6549-12G>A

Gene: SPTA1 (spectrin alpha, erythrocytic 1; minus strand). Cytogenetic location: 1q23.1.
Variant type: single nucleotide variant.
Coding change: c.6549-12G>A on transcript NM_003126.4 (MANE Select); 12 bases into the intron before coding-DNA position 6549, G replaced by A.
Molecular consequence: intron variant.
Genome position (GRCh38, 1-based): chr1:158,617,600, C>T on the plus strand (G>A on the coding strand, the complement: SPTA1 is on the minus strand). VCF-style: chr1-158617600-C-T. GRCh37 (hg19) VCF-style: chr1-158587390-C-T.
Other names: p.?.
Identifiers: ClinVar variation 258955 (VCV000258955.69), dbSNP rs857716, ClinGen allele CA1181930.